The following is an entry in ClinVar:

NM_033123.4(PLCZ1):c.563A>G (p.Tyr188Cys)

Genes: PIK3C2G (phosphatidylinositol-4-phosphate 3-kinase catalytic subunit type 2 gamma; plus strand), PLCZ1 (phospholipase C zeta 1; minus strand). Cytogenetic location: 12p12.3.
Variant type: single nucleotide variant.
Coding change: c.563A>G on transcript NM_033123.4 (MANE Select); coding-DNA position 563, A replaced by G.
Protein change: p.Tyr188Cys; replaces tyrosine 188 with cysteine.
Molecular consequence: missense variant. On other transcripts: intron variant (1).
Genome position (GRCh38, 1-based): chr12:18,719,437, T>C on the plus strand (A>G on the coding strand, the complement: PLCZ1 is on the minus strand). VCF-style: chr12-18719437-T-C. GRCh37 (hg19) VCF-style: chr12-18872371-T-C.
Other names: c.251A>G, p.Tyr84Cys (NM_001330774.2); c.136-14122A>G (NM_001330769.1); short protein forms Y188C, Y84C.
Identifiers: ClinVar variation 4533250 (VCV004533250.1).
Genomic context (GRCh38, chr12:18,719,437, plus strand): 5'-CCAGGAACTTCCAAGTATTTTTAAATGTAATAGATTTAAAAATAAAATAAATACCTTACA[T>C]ATCCCCAAAGGTCACTTGGTCCCAATAATTGATCAGATACCAAATATGTGTTATGTGAAG-3'
Protein context (NP_149114.2, residues 178-198): QLLGPSDLWG[Tyr188Cys]VSALVKGCRC

ClinVar aggregate classification (germline): Uncertain significance (1 of 4 stars; one submission).

Conditions:
Spermatogenic failure 17 (SPGF17). Also called: MALE INFERTILITY DUE TO OOCYTE ACTIVATION FAILURE. Identifiers: MedGen C4310666, MONDO:0014970, OMIM 617214.

Submission:

Juno Genomics, Hangzhou Juno Genomics, Inc
Classification: Uncertain significance for Spermatogenic failure 17. Review status: criteria provided, single submitter. Criteria: ACMG Guidelines, 2015. Collection method: clinical testing. Allele origin: germline. Affected: yes.
Comment: Absent from controls (or at extremely low frequency if recessive) in Genome Aggregation Database, Exome Sequencing Project, 1000 Genomes Project, or Exome Aggregation Consortium.;Multiple lines of computational evidence support a deleterious effect on the gene or gene product (conservation, evolutionary, splicing impact, etc).;Located in a mutational hot spot and/or critical and well-established functional domain (e.g. active site of an enzyme) without benign variation.;Patient's phenotype or family history is highly specific for a disease with a single genetic etiology.